The following is an entry in ClinVar:

NM_004187.5(KDM5C):c.1795C>T (p.Arg599Cys)

Gene: KDM5C (lysine demethylase 5C; minus strand). Cytogenetic location: Xp11.22.
Variant type: single nucleotide variant.
Coding change: c.1795C>T on transcript NM_004187.5 (MANE Select); coding-DNA position 1795, C replaced by T.
Protein change: p.Arg599Cys; replaces arginine 599 with cysteine.
Molecular consequence: missense variant. On other transcripts: non-coding transcript variant (3).
Genome position (GRCh38, 1-based): chrX:53,201,925, G>A on the plus strand (C>T on the coding strand, the complement: KDM5C is on the minus strand). VCF-style: chrX-53201925-G-A. GRCh37 (hg19) VCF-style: chrX-53231107-G-A.
Other names: c.1795C>T (NM_004187.2); c.1594C>T, p.Arg532Cys (NM_001146702.2); c.1792C>T, p.Arg598Cys (NM_001282622.3, NM_001353979.2, NM_001353982.2); c.1795C>T, p.Arg599Cys (NM_001353978.3, NM_001353981.2, NM_001353984.2); short protein forms R599C, R598C, R532C.
Identifiers: ClinVar variation 559937 (VCV000559937.4), dbSNP rs1556842184, ClinGen allele CA413124759.

ClinVar aggregate classification (germline): Pathogenic/Likely pathogenic. Review status: criteria provided, multiple submitters, no conflicts (2 of 4 stars). 3 submissions from 3 submitters: Pathogenic (1); Likely pathogenic (1). 1 of the submissions does not count toward it. Last evaluated 2026-03-22.

Conditions:
Intellectual developmental disorder, X-linked, syndromic, Claes-Jensen type. Also called: INTELLECTUAL DEVELOPMENTAL DISORDER, X-LINKED, SYNDROMIC 16; MENTAL RETARDATION, X-LINKED, SYNDROMIC 16; Syndromic X-linked intellectual disability Claes-Jensen type. Identifiers: Orphanet 85279, MedGen C1845243, MONDO:0010355, OMIM 300534.

gnomAD v4.1: 1 of 1,211,921 alleles (0.000083%); no homozygotes.

Submissions (3):

GeneDx
Classification: Pathogenic. Last evaluated: 2026-03-22. Review status: criteria provided, single submitter. Criteria: GeneDx Variant Classification Process June 2021. Collection method: clinical testing. Allele origin: germline.
Comment: Not observed at significant frequency in large population cohorts (gnomAD); In silico analysis supports that this missense variant has a deleterious effect on protein structure/function; This variant is associated with the following publications: (PMID: Lintas2022[CaseReport], 36434256, 34536985, 29276005, Aspromonte2023[pre-print], 32279304)

Equipe Genetique des Anomalies du Developpement, Université de Bourgogne
Classification: Likely pathogenic for Intellectual developmental disorder, X-linked, syndromic, Claes-Jensen type. Last evaluated: 2017-12-19. Review status: criteria provided, single submitter. Criteria: ACMG Guidelines, 2015. Collection method: clinical testing. Allele origin: unknown. Affected: yes. Study: Clinvar_gadteam_Clinical_exome_analysis_3.

Service de Génétique Moléculaire, Hôpital Robert Debré
Classification: Likely pathogenic for Intellectual developmental disorder, X-linked, syndromic, Claes-Jensen type. Review status: no assertion criteria provided. Collection method: clinical testing. Allele origin: maternal. Affected: yes. Not counted in ClinVar's aggregate classification.